The following is an entry in ClinVar:

NM_018233.4(OGFOD1):c.1584A>C (p.Pro528=)

Genes: BBS2 (Bardet-Biedl syndrome 2; minus strand), OGFOD1 (2-oxoglutarate and iron dependent oxygenase domain containing 1; plus strand). Cytogenetic location: 16q13.
Variant type: single nucleotide variant.
Coding change: c.1584A>C on transcript NM_018233.4 (MANE Select); coding-DNA position 1584, A replaced by C.
Protein change: p.Pro528=; no amino-acid change (proline 528 retained).
Molecular consequence: synonymous variant. On other transcripts: intron variant (1).
Genome position (GRCh38, 1-based): chr16:56,476,160, A>C. VCF-style: chr16-56476160-A-C. GRCh37 (hg19) VCF-style: chr16-56510072-A-C.
Other names: c.1581A>C, p.Pro527= (NM_001324357.2); c.1419A>C, p.Pro473= (NM_001324358.2, NM_001324361.1); c.1293A>C, p.Pro431= (NM_001324359.1, NM_001324360.2); c.1164A>C, p.Pro388= (NM_001324362.1); c.1470A>C, p.Pro490= (NM_001324363.2); c.*1-5546T>G (NM_001377456.1).
Identifiers: ClinVar variation 3024873 (VCV003024873.20), dbSNP rs61745416, ClinGen allele CA8065480.

ClinVar aggregate classification (germline): Benign (1 of 4 stars; one submission).

Allele frequency attached by ClinVar (database versions not stated): TOPMed 0.00894; 1000 Genomes Project 0.00280; ExAC 0.00807; ESP Exome Variant Server 0.00954; 1000 Genomes Project 30x 0.00250; gnomAD 0.00860; gnomAD exomes 0.01136.
gnomAD v4.1: 17,844 of 1,613,410 alleles (1.1%); highest among the groups gnomAD compares: Middle Eastern, 1.8%; 130 homozygotes.

Submission:

CeGaT Center for Human Genetics Tuebingen
Classification: Benign. Last evaluated: 2026-09-01. Review status: criteria provided, single submitter. Criteria: CeGaT Center For Human Genetics Tuebingen Variant Classification Criteria Version 2. Collection method: clinical testing. Allele origin: germline. Affected: yes. Observed: 15 variant alleles.
Comment: BBS2: BS1, BS2; OGFOD1: BP4, BP7, BS1, BS2